The following is an entry in ClinVar:

ClinVar aggregate classification (germline): Uncertain significance (1 of 4 stars; one submission).

Submission:

GeneDx
Classification: Uncertain significance. Last evaluated: 2024-05-09. Review status: criteria provided, single submitter. Criteria: GeneDx Variant Classification Process June 2021. Collection method: clinical testing. Allele origin: germline. Affected: yes.
Comment: Not observed at significant frequency in large population cohorts (gnomAD); In silico analysis supports that this missense variant has a deleterious effect on protein structure/function; Has not been previously published as pathogenic or benign to our knowledge

NM_014712.3(SETD1A):c.4932C>G (p.Phe1644Leu)

Gene: SETD1A (SET domain containing 1A, histone lysine methyltransferase; plus strand). Cytogenetic location: 16p11.2.
Variant type: single nucleotide variant.
Coding change: c.4932C>G on transcript NM_014712.3 (MANE Select); coding-DNA position 4932, C replaced by G.
Protein change: p.Phe1644Leu; replaces phenylalanine 1644 with leucine.
Molecular consequence: missense variant.
Genome position (GRCh38, 1-based): chr16:30,983,754, C>G. VCF-style: chr16-30983754-C-G. GRCh37 (hg19) VCF-style: chr16-30995075-C-G.
Other names: short protein forms F1644L.
Identifiers: ClinVar variation 3376032 (VCV003376032.1).